The following is an entry in ClinVar:

ClinVar aggregate classification (germline): Uncertain significance (1 of 4 stars; one submission).

Submission:

Labcorp Genetics (formerly Invitae), Labcorp
Classification: Uncertain significance. Last evaluated: 2025-11-25. Review status: criteria provided, single submitter. Criteria: Invitae Variant Classification Sherloc (09022015). Collection method: clinical testing. Allele origin: germline.
Comment: This sequence change creates a premature translational stop signal (p.Arg124Serfs*6) in the MAD2L2 gene. It is expected to result in an absent or disrupted protein product. However, the current clinical and genetic evidence is not sufficient to establish whether loss-of-function variants in MAD2L2 cause disease. This variant is present in population databases (no rsID available, gnomAD 0.0009%). This variant has not been reported in the literature in individuals affected with MAD2L2-related conditions. ClinVar contains an entry for this variant (Variation ID: 2180557). In summary, the available evidence is currently insufficient to determine the role of this variant in disease. Therefore, it has been classified as a Variant of Uncertain Significance.

NM_006341.4(MAD2L2):c.368_369dup (p.Arg124fs)

Gene: MAD2L2 (mitotic arrest deficient 2 like 2; minus strand). Cytogenetic location: 1p36.22.
Variant type: Duplication.
Coding change: c.368_369dup on transcript NM_006341.4 (MANE Select); coding-DNA positions 368 to 369, 2 bases duplicated (TC; older notation c.368_369dupTC).
Protein change: p.Arg124fs; shifts the reading frame from arginine 124.
Molecular consequence: frameshift variant.
Genome position (GRCh38, 1-based): chr1:11,676,104-11,676,105, GA duplicated on the plus strand (TC on the coding strand, the reverse complement: MAD2L2 is on the minus strand); duplicating any 2 consecutive bases within chr1:11,676,104-11,676,106 gives the same sequence; the c. name uses the placement nearest the transcript's 3' end. VCF-style (leftmost placement, unchanged base first): chr1-11676103-G-GGA. GRCh37 (hg19) VCF-style: chr1-11736160-G-GGA.
Other names: c.368_369dup, p.Arg124fs (NM_001127325.2); short protein forms R124fs.
Identifiers: ClinVar variation 2180557 (VCV002180557.4), dbSNP rs1228040041, ClinGen allele CA521454833.